The following is an entry in ClinVar:

NM_000123.4(ERCC5):c.542A>G (p.His181Arg)

Genes: BIVM-ERCC5 (BIVM-ERCC5 readthrough; plus strand), ERCC5 (ERCC excision repair 5, endonuclease; plus strand). Cytogenetic location: 13q33.1.
Variant type: single nucleotide variant.
Coding change: c.542A>G on transcript NM_000123.4 (MANE Select); coding-DNA position 542, A replaced by G.
Protein change: p.His181Arg; replaces histidine 181 with arginine.
Molecular consequence: missense variant.
Genome position (GRCh38, 1-based): chr13:102,858,288, A>G. VCF-style: chr13-102858288-A-G. GRCh37 (hg19) VCF-style: chr13-103510638-A-G.
Other names: c.1904A>G, p.His635Arg (NM_001204425.2); short protein forms H181R, H635R.
Identifiers: ClinVar variation 310914 (VCV000310914.15), dbSNP rs4150295, ClinGen allele CA7041212.
Genomic context (GRCh38, chr13:102,858,288, plus strand): 5'-AGTGTATGAAATGTAAATTTCATGGTGCTGTGATTTTATCTTTACAGGAAGAGTTCTTTC[A>G]TAATCCTCAAGCGATAGATATTGAGTCTGAGGACTTCAGCAGCCTGCCCCCTGAAGTAAA-3'
Protein context (NP_000114.3, residues 171-191): QKQALQEEFF[His181Arg]NPQAIDIESE

ClinVar aggregate classification (germline): Conflicting classifications of pathogenicity. Review status: criteria provided, conflicting classifications (1 of 4 stars). 6 submissions from 6 submitters: Uncertain significance (5); Likely benign (1). Last evaluated 2024-11-25.

Conditions:
Cerebrooculofacioskeletal syndrome 3 (COFS3). Identifiers: MedGen C1851443, MONDO:0014696, OMIM 616570.
Xeroderma pigmentosum, group G (XPG). Also called: ERCC5-Related Xeroderma Pigmentosum; XERODERMA PIGMENTOSUM VII; XP, GROUP G; Xeroderma pigmentosum type 7. Identifiers: MedGen C0268141, MONDO:0010216, OMIM 278780.

Allele frequency attached by ClinVar (database versions not stated): gnomAD 0.00021 and 0.00024; gnomAD exomes 0.00027 and 0.00039; TOPMed 0.00028; ESP Exome Variant Server 0.00031; ExAC 0.00034.
gnomAD v4.1: 596 of 1,614,054 alleles (0.037%); highest among the groups gnomAD compares: Non-Finnish European, 0.047%; no homozygotes.

Submissions (6):

Ambry Genetics
Classification: Uncertain significance. Last evaluated: 2024-11-25. Review status: criteria provided, single submitter. Criteria: Ambry Variant Classification Scheme 2023. Collection method: clinical testing. Allele origin: germline.

Blueprint Genetics
Classification: Likely benign. Last evaluated: 2024-10-17. Review status: criteria provided, single submitter. Criteria: ACMG Guidelines, 2015. Collection method: clinical testing. Allele origin: germline.

Labcorp Genetics (formerly Invitae), Labcorp
Classification: Uncertain significance. Last evaluated: 2024-04-29. Review status: criteria provided, single submitter. Criteria: Invitae Variant Classification Sherloc (09022015). Collection method: clinical testing. Allele origin: germline.
Comment: This sequence change replaces histidine, which is basic and polar, with arginine, which is basic and polar, at codon 181 of the ERCC5 protein (p.His181Arg). This variant is present in population databases (rs4150295, gnomAD 0.05%). This variant has not been reported in the literature in individuals affected with ERCC5-related conditions. ClinVar contains an entry for this variant (Variation ID: 310914). Algorithms developed to predict the effect of missense changes on protein structure and function output the following: SIFT: "Not Available"; PolyPhen-2: "Benign"; Align-GVGD: "Not Available". The arginine amino acid residue is found in multiple mammalian species, which suggests that this missense change does not adversely affect protein function. In summary, the available evidence is currently insufficient to determine the role of this variant in disease. Therefore, it has been classified as a Variant of Uncertain Significance.

Fulgent Genetics
Classification: Uncertain significance for Xeroderma pigmentosum, group G; Cerebrooculofacioskeletal syndrome 3. Last evaluated: 2024-03-18. Review status: criteria provided, single submitter. Criteria: ACMG Guidelines, 2015. Collection method: clinical testing. Allele origin: germline.

GeneDx
Classification: Uncertain significance. Last evaluated: 2022-01-19. Review status: criteria provided, single submitter. Criteria: GeneDx Variant Classification Process June 2021. Collection method: clinical testing. Allele origin: germline. Affected: yes.
Comment: In silico analysis supports that this missense variant has a deleterious effect on protein structure/function; Has not been previously published as pathogenic or benign to our knowledge

Illumina Laboratory Services, Illumina
Classification: Uncertain significance for Xeroderma pigmentosum, group G. Last evaluated: 2018-01-13. Review status: criteria provided, single submitter. Criteria: ICSL Variant Classification Criteria 13 December 2019. Collection method: clinical testing. Allele origin: germline.